The following is an entry in ClinVar:

ClinVar aggregate classification (germline): Uncertain significance (1 of 4 stars; one submission).

Allele frequency attached by ClinVar (database versions not stated): TOPMed 0.00001.
gnomAD v4.1: 8 of 765,426 alleles (0.001%); highest among the groups gnomAD compares: Middle Eastern, 0.023%; no homozygotes.

Submission:

Labcorp Genetics (formerly Invitae), Labcorp
Classification: Uncertain significance. Last evaluated: 2021-12-03. Review status: criteria provided, single submitter. Criteria: Invitae Variant Classification Sherloc (09022015). Collection method: clinical testing. Allele origin: germline.
Comment: In summary, the available evidence is currently insufficient to determine the role of this variant in disease. Therefore, it has been classified as a Variant of Uncertain Significance. Experimental studies and prediction algorithms are not available or were not evaluated, and the functional significance of this variant is currently unknown. This variant has not been reported in the literature in individuals affected with SNORD118-related conditions. This variant is present in population databases (no rsID available, gnomAD 0.0009%). This variant occurs in the SNORD118 gene, which encodes an RNA molecule that does not result in a protein product.

NR_033294.2(SNORD118):n.62T>C

Genes: SNORD118 (small nucleolar RNA, C/D box 118; minus strand), TMEM107 (transmembrane protein 107; minus strand). Cytogenetic location: 17p13.1.
Variant type: single nucleotide variant.
Molecular consequence: non-coding transcript variant (on NR_033294.2). On other transcripts: 3 prime UTR variant (5).
Genome position: GRCh38 VCF-style: chr17-8173527-A-G. GRCh37 (hg19) VCF-style: chr17-8076845-A-G.
Other names: c.*676T>C (NM_001351278.2, NM_001351279.2, NM_001351280.2 and 2 more transcripts).
Identifiers: ClinVar variation 1378372 (VCV001378372.4), dbSNP rs761878851, ClinGen allele CA497957096.